The following is an entry in ClinVar:

ClinVar aggregate classification (germline): Uncertain significance. Review status: criteria provided, multiple submitters, no conflicts (2 of 4 stars). 3 submissions from 3 submitters: Uncertain significance (2). 1 of the submissions does not count toward it. Last evaluated 2025-05-15.

Conditions:
Fanconi anemia (FA). Also called: Fanconi's anemia. Identifiers: Orphanet 84, MedGen C0015625, MeSH D005199, MONDO:0019391.

Allele frequency attached by ClinVar (database versions not stated): gnomAD 0.00003.
gnomAD v4.1: 21 of 1,613,656 alleles (0.0013%); highest among the groups gnomAD compares: South Asian, 0.0044%; no homozygotes.

Submissions (3):

Quest Diagnostics Nichols Institute San Juan Capistrano
Classification: Uncertain significance. Last evaluated: 2025-05-15. Review status: criteria provided, single submitter. Criteria: Quest Diagnostics criteria. Collection method: clinical testing. Allele origin: unknown.
Comment: The FANCA c.3251G>A (p.Arg1084His) variant has been reported in the published literature in individuals with breast cancer (PMID: 35884425 (2022)), ovarian cancer (PMID: 32546565 (2021)), and endometrial cancer (PMID: 26832770 (2016)). The frequency of this variant in the general population (Genome Aggregation Database) is uninformative in the assessment of its pathogenicity. Analysis of this variant using bioinformatics tools for the prediction of the effect of amino acid changes on protein structure and function yielded predictions that this variant is benign. Based on the available information, we are unable to determine the clinical significance of this variant.

Labcorp Genetics (formerly Invitae), Labcorp
Classification: Uncertain significance for Fanconi anemia. Last evaluated: 2024-10-16. Review status: criteria provided, single submitter. Criteria: Invitae Variant Classification Sherloc (09022015). Collection method: clinical testing. Allele origin: germline.
Comment: This sequence change replaces arginine, which is basic and polar, with histidine, which is basic and polar, at codon 1084 of the FANCA protein (p.Arg1084His). This variant is present in population databases (rs752642945, gnomAD 0.007%). This variant has not been reported in the literature in individuals affected with FANCA-related conditions. ClinVar contains an entry for this variant (Variation ID: 653321). Invitae Evidence Modeling of protein sequence and biophysical properties (such as structural, functional, and spatial information, amino acid conservation, physicochemical variation, residue mobility, and thermodynamic stability) indicates that this missense variant is not expected to disrupt FANCA protein function with a negative predictive value of 95%. In summary, the available evidence is currently insufficient to determine the role of this variant in disease. Therefore, it has been classified as a Variant of Uncertain Significance.

Natera, Inc.
Classification: Uncertain significance for Fanconi anemia. Last evaluated: 2020-02-26. Review status: no assertion criteria provided. Collection method: clinical testing. Allele origin: germline. Not counted in ClinVar's aggregate classification.

Literature cited by the submitters: PubMed 35884425 (cited by Quest Diagnostics Nichols Institute San Juan Capistrano); PubMed 32546565 (cited by Quest Diagnostics Nichols Institute San Juan Capistrano); PubMed 26832770 (cited by Quest Diagnostics Nichols Institute San Juan Capistrano).

NM_000135.4(FANCA):c.3251G>A (p.Arg1084His)

Gene: FANCA (FA complementation group A; minus strand). Cytogenetic location: 16q24.3.
Variant type: single nucleotide variant.
Coding change: c.3251G>A on transcript NM_000135.4 (MANE Select); coding-DNA position 3251, G replaced by A.
Protein change: p.Arg1084His; replaces arginine 1084 with histidine.
Molecular consequence: missense variant.
Genome position (GRCh38, 1-based): chr16:89,748,756, C>T on the plus strand (G>A on the coding strand, the complement: FANCA is on the minus strand). VCF-style: chr16-89748756-C-T. GRCh37 (hg19) VCF-style: chr16-89815164-C-T.
Other names: c.3251G>A (LRG_495t1, NM_000135.3); c.3251G>A, p.Arg1084His (NM_001286167.3); short protein forms R1084H.
Identifiers: ClinVar variation 653321 (VCV000653321.10), dbSNP rs752642945, ClinGen allele CA8251250.
Genomic context (GRCh38, chr16:89,748,756, plus strand): 5'-CTGGCAGTGATGGGCTGTTCTGCCTGGAAGCTGCTGCCGCAGAGGACAGACGAAGGCAGG[C>T]GGAGGAGGATCCTGGAAAGAAGGGGCTGTATTGGTGGCGACAGCACAGCGTACACTCTGC-3'
Protein context (NP_000126.2, residues 1074-1094): ELLMYKRILL[Arg1084His]LPSSVLCGSS